The following is an entry in ClinVar:

ClinVar aggregate classification (germline): Uncertain significance. Review status: criteria provided, multiple submitters, no conflicts (2 of 4 stars). 2 submissions from 2 submitters: Uncertain significance (2). Last evaluated 2025-12-15.

Conditions:
Inborn genetic diseases. Identifiers: MedGen C0950123, MeSH D030342.
Familial cold autoinflammatory syndrome 2 (FCAS2). Identifiers: Orphanet 247868, MedGen C2673198, MONDO:0012724, OMIM 611762.

Allele frequency attached by ClinVar (database versions not stated): ExAC 0.00001; gnomAD 0.00001.

Submissions (2):

Ambry Genetics
Classification: Uncertain significance for Inborn genetic diseases. Last evaluated: 2025-12-15. Review status: criteria provided, single submitter. Criteria: Ambry Variant Classification Scheme 2023. Collection method: clinical testing. Allele origin: germline.

Labcorp Genetics (formerly Invitae), Labcorp
Classification: Uncertain significance for Familial cold autoinflammatory syndrome 2. Last evaluated: 2023-02-11. Review status: criteria provided, single submitter. Criteria: Invitae Variant Classification Sherloc (09022015). Collection method: clinical testing. Allele origin: germline.
Comment: In summary, the available evidence is currently insufficient to determine the role of this variant in disease. Therefore, it has been classified as a Variant of Uncertain Significance. Advanced modeling of protein sequence and biophysical properties (such as structural, functional, and spatial information, amino acid conservation, physicochemical variation, residue mobility, and thermodynamic stability) performed at Invitae indicates that this missense variant is not expected to disrupt NLRP12 protein function. This variant has not been reported in the literature in individuals affected with NLRP12-related conditions. This variant is present in population databases (rs762705582, gnomAD 0.007%). This sequence change replaces glutamic acid, which is acidic and polar, with alanine, which is neutral and non-polar, at codon 612 of the NLRP12 protein (p.Glu612Ala).

NM_144687.4(NLRP12):c.1835A>C (p.Glu612Ala)

Gene: NLRP12 (NLR family pyrin domain containing 12; minus strand). Cytogenetic location: 19q13.42.
Variant type: single nucleotide variant.
Coding change: c.1835A>C on transcript NM_144687.4 (MANE Select); coding-DNA position 1835, A replaced by C.
Protein change: p.Glu612Ala; replaces glutamic acid 612 with alanine.
Molecular consequence: missense variant.
Genome position (GRCh38, 1-based): chr19:53,809,824, T>G on the plus strand (A>C on the coding strand, the complement: NLRP12 is on the minus strand). VCF-style: chr19-53809824-T-G. GRCh37 (hg19) VCF-style: chr19-54313078-T-G.
Other names: c.1835A>C, p.Glu612Ala (NM_001277126.2, NM_001277129.1); c.1835A>C (NM_144687.2); short protein forms E612A.
Identifiers: ClinVar variation 2775647 (VCV002775647.4), dbSNP rs762705582, ClinGen allele CA9639339.